The following is an entry in ClinVar:

NM_000410.4(HFE):c.617-8_617-4del

Gene: HFE (homeostatic iron regulator; plus strand). Cytogenetic location: 6p22.2.
Variant type: Deletion.
Coding change: c.617-8_617-4del on transcript NM_000410.4 (MANE Select); 8 bases into the intron before coding-DNA position 617 through 4 bases into the intron before coding-DNA position 617, 5 bases deleted (CTGTC; older notation c.617-8_617-4delCTGTC).
Molecular consequence: intron variant.
Genome position (GRCh38, 1-based): chr6:26,092,677-26,092,681, CTGTC deleted; deleting any 5 consecutive bases within chr6:26,092,675-26,092,681 gives the same sequence; the c. name uses the placement nearest the transcript's 3' end. VCF-style (leftmost placement, unchanged base first): chr6-26092674-TTCCTG-T. GRCh37 (hg19) VCF-style: chr6-26092902-TTCCTG-T.
Other names: c.649+36_649+40del (NM_001406751.1); c.617-8_617-4del (NM_001384164.1, NM_001300749.3); c.617-50_617-46del (NM_139006.3); c.341-8_341-4del (NM_139004.3); c.341-50_341-46del (NM_139003.3); c.548-8_548-4del (NM_139009.3); c.353-8_353-4del (NM_139007.3, NM_001406752.1); c.353-50_353-46del (NM_139008.3); and 2 more.
Identifiers: ClinVar variation 2581308 (VCV002581308.1), dbSNP rs2481618706, ClinGen allele CA2582341641.

ClinVar aggregate classification (germline): Uncertain significance (1 of 4 stars; one submission).

Submission:

Women's Health and Genetics/Laboratory Corporation of America, LabCorp
Classification: Uncertain significance. Last evaluated: 2023-08-23. Review status: criteria provided, single submitter. Criteria: LabCorp Variant Classification Summary - May 2015. Collection method: clinical testing. Allele origin: germline.
Comment: Variant summary: HFE c.617-8_617-4delCTGTC alters a nucleotide located close to a canonical splice site and therefore could affect mRNA splicing, leading to a significantly altered protein sequence. Consensus agreement among computation tools predict no significant impact on normal splicing. However, these predictions have yet to be confirmed by functional studies. The variant was absent in 251138 control chromosomes (gnomAD). The available data on variant occurrences in the general population are insufficient to allow any conclusion about variant significance. To our knowledge, no occurrence of c.617-8_617-4delCTGTC in individuals affected with Hemochromatosis Type 1 and no experimental evidence demonstrating its impact on protein function have been reported. No submitters have cited clinical-significance assessments for this variant to ClinVar after 2014. Based on the evidence outlined above, the variant was classified as uncertain significance.